The following is an entry in ClinVar:

ClinVar aggregate classification (germline): Uncertain significance (1 of 4 stars; one submission).

Conditions:
Hyperkalemic periodic paralysis. Also called: Familial hyperkalemic periodic paralysis; Gamstorp disease. Identifiers: Orphanet 682, MedGen C0238357, MONDO:0008224, OMIM 170500, HP:0007215.

Submission:

Labcorp Genetics (formerly Invitae), Labcorp
Classification: Uncertain significance for Hyperkalemic periodic paralysis. Last evaluated: 2024-01-21. Review status: criteria provided, single submitter. Criteria: Invitae Variant Classification Sherloc (09022015). Collection method: clinical testing. Allele origin: germline.
Comment: This sequence change replaces methionine, which is neutral and non-polar, with isoleucine, which is neutral and non-polar, at codon 576 of the SCN4A protein (p.Met576Ile). This variant is not present in population databases (gnomAD no frequency). This variant has not been reported in the literature in individuals affected with SCN4A-related conditions. Advanced modeling of protein sequence and biophysical properties (such as structural, functional, and spatial information, amino acid conservation, physicochemical variation, residue mobility, and thermodynamic stability) has been performed at Invitae for this missense variant, however the output from this modeling did not meet the statistical confidence thresholds required to predict the impact of this variant on SCN4A protein function. In summary, the available evidence is currently insufficient to determine the role of this variant in disease. Therefore, it has been classified as a Variant of Uncertain Significance.

NM_000334.4(SCN4A):c.1728G>A (p.Met576Ile)

Gene: SCN4A (sodium voltage-gated channel alpha subunit 4; minus strand). Cytogenetic location: 17q23.3.
Variant type: single nucleotide variant.
Coding change: c.1728G>A on transcript NM_000334.4 (MANE Select); coding-DNA position 1728, G replaced by A.
Protein change: p.Met576Ile; replaces methionine 576 with isoleucine.
Molecular consequence: missense variant.
Genome position (GRCh38, 1-based): chr17:63,961,310, C>T on the plus strand (G>A on the coding strand, the complement: SCN4A is on the minus strand). VCF-style: chr17-63961310-C-T. GRCh37 (hg19) VCF-style: chr17-62038670-C-T.
Other names: short protein forms M576I.
Identifiers: ClinVar variation 2984815 (VCV002984815.3), dbSNP rs2509310923, ClinGen allele CA400633315.